The following is an entry in ClinVar:

NM_000308.4(CTSA):c.54G>C (p.Leu18=)

Genes: CTSA (cathepsin A; plus strand), LOC130065974 (ATAC-STARR-seq lymphoblastoid active region 17954; plus strand). Cytogenetic location: 20q13.12.
Variant type: single nucleotide variant.
Coding change: c.54G>C on transcript NM_000308.4 (MANE Select); coding-DNA position 54, G replaced by C.
Protein change: p.Leu18=; no amino-acid change (leucine 18 retained).
Molecular consequence: synonymous variant. On other transcripts: non-coding transcript variant (1).
Genome position (GRCh38, 1-based): chr20:45,891,622, G>C. VCF-style: chr20-45891622-G-C. GRCh37 (hg19) VCF-style: chr20-44520261-G-C.
Other names: c.54G>C, p.Leu18= (NM_001127695.3, NM_001167594.3).
Identifiers: ClinVar variation 459632 (VCV000459632.46), dbSNP rs181943893, ClinGen allele CA9882917.
Genomic context (GRCh38, chr20:45,891,622, plus strand): 5'-CCCGTAGATGATCCGAGCCGCGCCGCCGCCGCTGTTCCTGCTGCTGCTGCTGCTGCTGCT[G>C]CTAGTGTCCTGGGCGTCCCGAGGCGAGGCAGCCCCCGACCAGGACGAGATCCAGCGCCTC-3'
Protein context (NP_000299.3, residues 8-28): PLFLLLLLLL[Leu18=]LVSWASRGEA

ClinVar aggregate classification (germline): Conflicting classifications of pathogenicity. Review status: criteria provided, conflicting classifications (1 of 4 stars). 5 submissions from 5 submitters: Uncertain significance (1); Likely benign (3). 1 of the submissions does not count toward it. Last evaluated 2026-08-01.

Conditions:
Combined deficiency of sialidase AND beta galactosidase (GSL). Also called: Galactosialidosis; CATHEPSIN A DEFICIENCY; GOLDBERG SYNDROME; NEURAMINIDASE DEFICIENCY WITH BETA-GALACTOSIDASE DEFICIENCY; NEURAMINIDASE/BETA-GALACTOSIDASE EXPRESSION; PPCA DEFICIENCY. Identifiers: Orphanet 351, MedGen C0268233, MONDO:0009737, OMIM 256540.

Allele frequency attached by ClinVar (database versions not stated): ExAC below 0.00001; gnomAD exomes below 0.00001; gnomAD 0.00001; TOPMed 0.01547.

Submissions (5):

CeGaT Center for Human Genetics Tuebingen
Classification: Likely benign. Last evaluated: 2026-08-01. Review status: criteria provided, single submitter. Criteria: CeGaT Center For Human Genetics Tuebingen Variant Classification Criteria Version 2. Collection method: clinical testing. Allele origin: germline. Affected: yes. Observed: 14 variant alleles.
Comment: CTSA: BP4, BP7

Labcorp Genetics (formerly Invitae), Labcorp
Classification: Likely benign for Combined deficiency of sialidase AND beta galactosidase. Last evaluated: 2026-02-04. Review status: criteria provided, single submitter. Criteria: Invitae Variant Classification Sherloc (09022015). Collection method: clinical testing. Allele origin: germline.

GeneDx
Classification: Likely benign. Last evaluated: 2020-09-08. Review status: criteria provided, single submitter. Criteria: GeneDx Variant Classification Process June 2021. Collection method: clinical testing. Allele origin: germline. Affected: yes.

Illumina Laboratory Services, Illumina
Classification: Uncertain significance for Combined deficiency of sialidase AND beta galactosidase. Last evaluated: 2018-01-12. Review status: criteria provided, single submitter. Criteria: ICSL Variant Classification Criteria 13 December 2019. Collection method: clinical testing. Allele origin: germline.

Mayo Clinic Laboratories, Mayo Clinic
Classification: Likely benign. Last evaluated: 2015-12-15. Review status: no assertion criteria provided. Collection method: clinical testing. Allele origin: unknown. Not counted in ClinVar's aggregate classification.